The following is an entry in ClinVar:

ClinVar aggregate classification (germline): Uncertain significance (1 of 4 stars; one submission).

Conditions:
Hereditary cancer-predisposing syndrome. Also called: Neoplastic Syndromes, Hereditary; Tumor predisposition; Hereditary neoplastic syndrome; Hereditary Cancer Syndrome. Identifiers: Orphanet 140162, MedGen C0027672, MeSH D009386, MONDO:0015356.

Submission:

Ambry Genetics
Classification: Uncertain significance for Hereditary cancer-predisposing syndrome. Last evaluated: 2026-08-06. Review status: criteria provided, single submitter. Criteria: Ambry Variant Classification Scheme 2023. Collection method: clinical testing. Allele origin: germline.
Comment: The c.3232dupA variant, located in coding exon 20 of the RET gene, results from a duplication of A at nucleotide position 3232, causing a translational frameshift with a predicted alternate stop codon (p.T1078Nfs*4). This variant occurs at the 3' terminus of the gene, is not expected to trigger nonsense-mediated mRNAdecay, and impacts the last 3% of the protein. The exact functional effect of this variant is unknown. Loss-of-function variants in RET are known to cause Hirschsprung disease; however, such associations with Multiple Endocrine Neoplasia Type-2 (MEN2) have not been observed (Amiel J and Lyonnet S. J Med Genet. 2001 Nov;38(11):729-39; Wagner SM et al. Clinics (Sao Paulo). 2012;67 Suppl 1(Suppl 1):77-84). Based on the supporting evidence, the association of this variant with Hirschsprung disease is unknown; however, the association of this variant with MEN2 is unlikely.

NM_020975.6(RET):c.3232dup (p.Thr1078fs)

Gene: RET (ret proto-oncogene; plus strand). Cytogenetic location: 10q11.21.
Variant type: Duplication.
Coding change: c.3232dup on transcript NM_020975.6 (MANE Select); coding-DNA position 3232, one base duplicated (A; older notation c.3232dupA).
Protein change: p.Thr1078fs; shifts the reading frame from threonine 1078.
Molecular consequence: frameshift variant. On other transcripts: 3 prime UTR variant (18), intron variant (3).
Genome position (GRCh38, 1-based): chr10:43,128,156, A duplicated. VCF-style (leftmost placement, unchanged base first): chr10-43128155-C-CA. GRCh37 (hg19) VCF-style: chr10-43623603-C-CA.
Other names: c.3232dupA (NM_020975.4); c.*1402dup (NM_001355216.2, NM_001406764.1, NM_001406765.1 and 15 more transcripts); c.3232dup, p.Thr1078fs (NM_001406743.1); c.3172dup, p.Thr1058fs (NM_001406759.1, NM_001406760.1); c.3103dup, p.Thr1035fs (NM_001406761.1, NM_001406762.1); c.3097dup, p.Thr1033fs (NM_001406763.1); c.2944dup, p.Thr982fs (NM_001406766.1, NM_001406767.1); c.2836dup, p.Thr946fs (NM_001406769.1); and 11 more; short protein forms T1058fs, T779fs, T982fs, T1035fs, T1078fs, T683fs, T736fs, T836fs.
Identifiers: ClinVar variation 5028198 (VCV005028198.1).